The following is an entry in ClinVar:

NM_005912.3(MC4R):c.530G>T (p.Cys177Phe)

Gene: MC4R (melanocortin 4 receptor; minus strand). Cytogenetic location: 18q21.32.
Variant type: single nucleotide variant.
Coding change: c.530G>T on transcript NM_005912.3 (MANE Select); coding-DNA position 530, G replaced by T.
Protein change: p.Cys177Phe; replaces cysteine 177 with phenylalanine.
Molecular consequence: missense variant.
Genome position (GRCh38, 1-based): chr18:60,371,820, C>A on the plus strand (G>T on the coding strand, the complement: MC4R is on the minus strand). VCF-style: chr18-60371820-C-A. GRCh37 (hg19) VCF-style: chr18-58039053-C-A.
Other names: c.530G>T (NM_005912.2); short protein forms C177F.
Identifiers: ClinVar variation 2874546 (VCV002874546.4), dbSNP rs2511560341, ClinGen allele CA402719614.

ClinVar aggregate classification (germline): Uncertain significance. Review status: criteria provided, multiple submitters, no conflicts (2 of 4 stars). 2 submissions from 2 submitters: Uncertain significance (2). Last evaluated 2026-01-27.

Conditions:
MC4R-related disorder. Also called: MC4R-related condition.

Submissions (2):

PreventionGenetics, part of Exact Sciences
Classification: Uncertain significance for MC4R-related condition. Last evaluated: 2026-01-27. Review status: criteria provided, single submitter. Criteria: ACMG Guidelines, 2015. Collection method: clinical testing. Allele origin: germline.
Comment: The MC4R c.530G>T variant is predicted to result in the amino acid substitution p.Cys177Phe. To our knowledge, this variant has not been reported in the literature or in a large population database (gnomAD), indicating this variant is rare. At this time, the clinical significance of this variant is uncertain due to the absence of conclusive functional and genetic evidence.

Labcorp Genetics (formerly Invitae), Labcorp
Classification: Uncertain significance. Last evaluated: 2025-02-23. Review status: criteria provided, single submitter. Criteria: Invitae Variant Classification Sherloc (09022015). Collection method: clinical testing. Allele origin: germline.
Comment: This sequence change replaces cysteine, which is neutral and slightly polar, with phenylalanine, which is neutral and non-polar, at codon 177 of the MC4R protein (p.Cys177Phe). This variant is not present in population databases (gnomAD no frequency). This variant has not been reported in the literature in individuals affected with MC4R-related conditions. ClinVar contains an entry for this variant (Variation ID: 2874546). Invitae Evidence Modeling of protein sequence and biophysical properties (such as structural, functional, and spatial information, amino acid conservation, physicochemical variation, residue mobility, and thermodynamic stability) indicates that this missense variant is not expected to disrupt MC4R protein function with a negative predictive value of 80%. In summary, the available evidence is currently insufficient to determine the role of this variant in disease. Therefore, it has been classified as a Variant of Uncertain Significance.